The following is an entry in ClinVar:

NM_001354604.2(MITF):c.886A>G (p.Ile296Val)

Gene: MITF (melanocyte inducing transcription factor; plus strand). Cytogenetic location: 3p13.
Variant type: single nucleotide variant.
Coding change: c.886A>G on transcript NM_001354604.2 (MANE Select); coding-DNA position 886, A replaced by G.
Protein change: p.Ile296Val; replaces isoleucine 296 with valine.
Molecular consequence: missense variant. On other transcripts: intron variant (9).
Genome position (GRCh38, 1-based): chr3:69,951,817, A>G. VCF-style: chr3-69951817-A-G. GRCh37 (hg19) VCF-style: chr3-70000968-A-G.
Other names: c.565A>G, p.Ile189Val (NM_000248.4); c.883A>G, p.Ile295Val (NM_001354605.2); c.830-13A>G (NM_001354607.2); c.725-13A>G (NM_001354608.2, NM_001184967.2); c.881-13A>G (NM_198159.3); c.878-13A>G (NM_001354606.2, NM_006722.3); c.833-13A>G (NM_198177.3); c.560-13A>G (NM_198158.3); and 1 more; short protein forms I189V, I295V, I296V.
Identifiers: ClinVar variation 3751568 (VCV003751568.2).

ClinVar aggregate classification (germline): Uncertain significance (1 of 4 stars; one submission).

Conditions:
Tietz syndrome (TADS). Also called: HYPOPIGMENTATION/DEAFNESS OF TIETZ; TIETZ ALBINISM-DEAFNESS SYNDROME; ALBINISM-DEAFNESS OF TIETZ. Identifiers: Orphanet 42665, MedGen C0391816, MONDO:0007077, OMIM 103500.
Waardenburg syndrome type 2A (WS2A). Also called: WAARDENBURG SYNDROME WITHOUT DYSTOPIA CANTHORUM. Identifiers: Orphanet 3440, MedGen C1860339, MONDO:0008671, OMIM 193510.
Melanoma, cutaneous malignant, susceptibility to, 8. Also called: MELANOMA AND RENAL CELL CARCINOMA, SUSCEPTIBILITY TO; Cutaneous malignant melanoma 8. Identifiers: Orphanet 293822, MedGen C3152204, MONDO:0013759, OMIM 614456.

gnomAD v4.1: 1 of 1,613,372 alleles (0.000062%); highest among the groups gnomAD compares: Non-Finnish European, 0.000085%; no homozygotes.

Submission:

Labcorp Genetics (formerly Invitae), Labcorp
Classification: Uncertain significance for Melanoma, cutaneous malignant, susceptibility to, 8; Waardenburg syndrome type 2A; Tietz syndrome. Last evaluated: 2024-12-02. Review status: criteria provided, single submitter. Criteria: Invitae Variant Classification Sherloc (09022015). Collection method: clinical testing. Allele origin: germline.
Comment: This sequence change replaces isoleucine, which is neutral and non-polar, with valine, which is neutral and non-polar, at codon 189 of the MITF protein (p.Ile189Val). This variant is not present in population databases (gnomAD no frequency). This variant has not been reported in the literature in individuals affected with MITF-related conditions. An algorithm developed to predict the effect of missense changes on protein structure and function (PolyPhen-2) suggests that this variant is likely to be tolerated. In summary, the available evidence is currently insufficient to determine the role of this variant in disease. Therefore, it has been classified as a Variant of Uncertain Significance.